The following is an entry in ClinVar:

NM_001199107.2(TBC1D24):c.680G>A (p.Arg227Gln)

Gene: TBC1D24 (TBC1 domain family member 24; plus strand). Cytogenetic location: 16p13.3.
Variant type: single nucleotide variant.
Coding change: c.680G>A on transcript NM_001199107.2 (MANE Select); coding-DNA position 680, G replaced by A.
Protein change: p.Arg227Gln; replaces arginine 227 with glutamine.
Molecular consequence: missense variant.
Genome position (GRCh38, 1-based): chr16:2,496,828, G>A. VCF-style: chr16-2496828-G-A. GRCh37 (hg19) VCF-style: chr16-2546829-G-A.
Other names: c.680G>A, p.Arg227Gln (NM_020705.3); short protein forms R227Q.
Identifiers: ClinVar variation 960278 (VCV000960278.42), dbSNP rs756181906, ClinGen allele CA7844045.

ClinVar aggregate classification (germline): Likely pathogenic. Review status: criteria provided, multiple submitters, no conflicts (2 of 4 stars). 4 submissions from 4 submitters: Likely pathogenic (4). Last evaluated 2023-08-01.

Conditions:
TBC1D24-related disorder. Also called: TBC1D24-related disorders; TBC1D24-related condition. Identifiers: MedGen CN381194.
Developmental and epileptic encephalopathy, 1 (DEE1). Also called: OHTAHARA SYNDROME, X-LINKED; INFANTILE SPASM SYNDROME, X-LINKED 1; X-linked infantile spasms; West's syndrome; Tonic spasms with clustering, arrest of psychomotor development and hypsarrhythmia on EEG; X-Linked Infantile Spasm Syndrome. Identifiers: MedGen C3463992, MONDO:0010632, OMIM 308350. Disease mechanism: loss of function.
Autosomal dominant nonsyndromic hearing loss 65. Also called: TBC1D24-Related Autosomal Dominant Nonsyndromic Hearing Loss (DFNA); Deafness, autosomal dominant 65. Identifiers: Orphanet 90635, MedGen C3892048, MONDO:0014470, OMIM 616044.

Allele frequency attached by ClinVar (database versions not stated): ExAC 0.00002.

Submissions (4):

CeGaT Center for Human Genetics Tuebingen
Classification: Likely pathogenic. Last evaluated: 2023-08-01. Review status: criteria provided, single submitter. Criteria: CeGaT Center For Human Genetics Tuebingen Variant Classification Criteria Version 2. Collection method: clinical testing. Allele origin: germline. Affected: yes. Observed: 1 variant allele.
Comment: TBC1D24: PM1, PM2, PM3, PM5

Labcorp Genetics (formerly Invitae), Labcorp
Classification: Likely pathogenic for Developmental and epileptic encephalopathy, 1; Autosomal dominant nonsyndromic hearing loss 65. Last evaluated: 2022-11-08. Review status: criteria provided, single submitter. Criteria: Invitae Variant Classification Sherloc (09022015). Collection method: clinical testing. Allele origin: germline.
Comment: Advanced modeling of protein sequence and biophysical properties (such as structural, functional, and spatial information, amino acid conservation, physicochemical variation, residue mobility, and thermodynamic stability) performed at Invitae indicates that this missense variant is expected to disrupt TBC1D24 protein function. This variant disrupts the p.Arg227 amino acid residue in TBC1D24. Other variant(s) that disrupt this residue have been determined to be pathogenic (PMID: 27281533, 31112829). This suggests that this residue is clinically significant, and that variants that disrupt this residue are likely to be disease-causing. In summary, the currently available evidence indicates that the variant is pathogenic, but additional data are needed to prove that conclusively. Therefore, this variant has been classified as Likely Pathogenic. This sequence change replaces arginine, which is basic and polar, with glutamine, which is neutral and polar, at codon 227 of the TBC1D24 protein (p.Arg227Gln). This variant is present in population databases (rs756181906, gnomAD 0.006%). ClinVar contains an entry for this variant (Variation ID: 960278). This missense change has been observed in individual(s) with autosomal recessive TBC1D24-related conditions (PMID: 27281533, 32369273).

GeneDx
Classification: Likely pathogenic. Last evaluated: 2022-10-12. Review status: criteria provided, single submitter. Criteria: GeneDx Variant Classification Process June 2021. Collection method: clinical testing. Allele origin: germline. Affected: yes.
Comment: Not observed at significant frequency in large population cohorts (gnomAD); In silico analysis supports that this missense variant has a deleterious effect on protein structure/function; This variant is associated with the following publications: (PMID: 28428906, 27281533, 32369273)

Blueprint Genetics
Classification: Likely pathogenic for TBC1D24-related disorders. Last evaluated: 2021-06-10. Review status: criteria provided, single submitter. Criteria: ACMG Guidelines, 2015. Collection method: clinical testing. Allele origin: germline. Affected: yes. Observed: 1 variant allele.

Literature cited by the submitters: PubMed 27281533 (cited by Labcorp Genetics (formerly Invitae), Labcorp); PubMed 31112829 (cited by Labcorp Genetics (formerly Invitae), Labcorp); PubMed 32369273 (cited by Labcorp Genetics (formerly Invitae), Labcorp).